The following is an entry in ClinVar:

ClinVar aggregate classification (germline): Uncertain significance (1 of 4 stars; one submission).

Submission:

GeneDx
Classification: Uncertain significance. Last evaluated: 2022-11-11. Review status: criteria provided, single submitter. Criteria: GeneDx Variant Classification Process June 2021. Collection method: clinical testing. Allele origin: germline. Affected: yes.
Comment: Not observed at significant frequency in large population cohorts (gnomAD); In silico analysis supports that this missense variant does not alter protein structure/function; Has not been previously published as pathogenic or benign to our knowledge

NM_000245.4(MET):c.4141A>T (p.Thr1381Ser)

Gene: MET (MET proto-oncogene, receptor tyrosine kinase; plus strand). Cytogenetic location: 7q31.2.
Variant type: single nucleotide variant.
Coding change: c.4141A>T on transcript NM_000245.4 (MANE Select); coding-DNA position 4141, A replaced by T.
Protein change: p.Thr1381Ser; replaces threonine 1381 with serine.
Molecular consequence: missense variant.
Genome position (GRCh38, 1-based): chr7:116,796,092, A>T. VCF-style: chr7-116796092-A-T. GRCh37 (hg19) VCF-style: chr7-116436146-A-T.
Other names: c.4195A>T, p.Thr1399Ser (NM_001127500.3); c.2851A>T, p.Thr951Ser (NM_001324402.2); short protein forms T1381S, T1399S, T951S.
Identifiers: ClinVar variation 2502052 (VCV002502052.1), dbSNP rs1292389793, ClinGen allele CA369118481.
Genomic context (GRCh38, chr7:116,796,092, plus strand): 5'-TGTGTCGCTCCGTATCCTTCTCTGTTGTCATCAGAAGATAACGCTGATGATGAGGTGGAC[A>T]CACGACCAGCCTCCTTCTGGGAGACATCATAGTGCTAGTACTATGTCAAAGCAACAGTCC-3'
Protein context (NP_000236.2, residues 1371-1390): SEDNADDEVD[Thr1381Ser]RPASFWETS